The following is an entry in ClinVar:

NM_003072.5(SMARCA4):c.4636-1G>T

Gene: SMARCA4 (SWI/SNF related BAF chromatin remodeling complex subunit ATPase 4; plus strand). Cytogenetic location: 19p13.2.
Variant type: single nucleotide variant.
Coding change: c.4636-1G>T on transcript NM_003072.5 (MANE Select); the canonical splice acceptor site of the intron before coding-DNA position 4636, G replaced by T.
Molecular consequence: splice acceptor variant.
Genome position (GRCh38, 1-based): chr19:11,059,752, G>T. VCF-style: chr19-11059752-G-T. GRCh37 (hg19) VCF-style: chr19-11170428-G-T.
Other names: c.4636-1G>T (NM_001128844.3); c.4732-1G>T (NM_001128849.3, NM_001387283.1); c.4537-1G>T (NM_001128847.4, NM_001374457.1); c.4633-1G>T (NM_001411150.1); c.4546-1G>T (NM_001128845.2); c.4543-1G>T (NM_001128846.2); c.4534-1G>T (NM_001128848.2).
Identifiers: ClinVar variation 3662810 (VCV003662810.2).
Genomic context (GRCh38, chr19:11,059,752, plus strand): 5'-GGCCGGGCAGGCAGCCCTCCAGTCGGGCCCATCCACTCAAGCCCCTGGTGTCTCTGCCCA[G>T]ATCTATGAAGACTCCATCGTCTTGCAGTCGGTCTTCACCAGCGTGCGGCAGAAAATCGAG-3'

ClinVar aggregate classification (germline): Uncertain significance (1 of 4 stars; one submission).

Conditions:
Rhabdoid tumor predisposition syndrome 2 (RTPS2). Identifiers: Orphanet 231108, Orphanet 69077, MedGen C2750074, MONDO:0013224, OMIM 613325.

Submission:

Labcorp Genetics (formerly Invitae), Labcorp
Classification: Uncertain significance for Rhabdoid tumor predisposition syndrome 2. Last evaluated: 2024-08-31. Review status: criteria provided, single submitter. Criteria: Invitae Variant Classification Sherloc (09022015). Collection method: clinical testing. Allele origin: germline.
Comment: This sequence change affects an acceptor splice site in intron 33 of the SMARCA4 gene. It is expected to disrupt RNA splicing. Variants that disrupt the donor or acceptor splice site typically lead to a loss of protein function (PMID: 16199547), and loss-of-function variants in SMARCA4 are known to be pathogenic (PMID: 24658001, 24658002). This variant is not present in population databases (gnomAD no frequency). This variant has not been reported in the literature in individuals affected with SMARCA4-related conditions. RNA analysis provides insufficient evidence to determine the effect of this variant on SMARCA4 splicing (internal data). In summary, the available evidence is currently insufficient to determine the role of this variant in disease. Therefore, it has been classified as a Variant of Uncertain Significance.

Literature cited by the submitters: PubMed 16199547; PubMed 24658001; PubMed 24658002.